The following is an entry in ClinVar:

NM_004304.5(ALK):c.1487C>T (p.Pro496Leu)

Gene: ALK (ALK receptor tyrosine kinase; minus strand). Cytogenetic location: 2p23.2.
Variant type: single nucleotide variant.
Coding change: c.1487C>T on transcript NM_004304.5 (MANE Select); coding-DNA position 1487, C replaced by T.
Protein change: p.Pro496Leu; replaces proline 496 with leucine.
Molecular consequence: missense variant.
Genome position (GRCh38, 1-based): chr2:29,320,810, G>A on the plus strand (C>T on the coding strand, the complement: ALK is on the minus strand). VCF-style: chr2-29320810-G-A. GRCh37 (hg19) VCF-style: chr2-29543676-G-A.
Other names: short protein forms P496L.
Identifiers: ClinVar variation 1035977 (VCV001035977.9), dbSNP rs1231969163, ClinGen allele CA346472408.

ClinVar aggregate classification (germline): Uncertain significance (1 of 4 stars; one submission).

Conditions:
Neuroblastoma, susceptibility to, 3. Also called: ALK-Related Neuroblastic Tumor Susceptibility. Identifiers: Orphanet 635, MedGen C2751681, MONDO:0013083, OMIM 613014.

Allele frequency attached by ClinVar (database versions not stated): TOPMed 0.00001.
gnomAD v4.1: 1 of 1,614,098 alleles (0.000062%); highest among the groups gnomAD compares: Non-Finnish European, 0.000085%; no homozygotes.

Submission:

Labcorp Genetics (formerly Invitae), Labcorp
Classification: Uncertain significance for Neuroblastoma, susceptibility to, 3. Last evaluated: 2024-10-14. Review status: criteria provided, single submitter. Criteria: Invitae Variant Classification Sherloc (09022015). Collection method: clinical testing. Allele origin: germline.
Comment: This sequence change replaces proline, which is neutral and non-polar, with leucine, which is neutral and non-polar, at codon 496 of the ALK protein (p.Pro496Leu). This variant is present in population databases (no rsID available, gnomAD 0.007%). This variant has not been reported in the literature in individuals affected with ALK-related conditions. ClinVar contains an entry for this variant (Variation ID: 1035977). An algorithm developed to predict the effect of missense changes on protein structure and function (PolyPhen-2) suggests that this variant is likely to be tolerated. In summary, the available evidence is currently insufficient to determine the role of this variant in disease. Therefore, it has been classified as a Variant of Uncertain Significance.